The following is an entry in ClinVar:

ClinVar aggregate classification (germline): Uncertain significance (1 of 4 stars; one submission).

Conditions:
Familial hemiplegic migraine. Identifiers: MedGen C0338484, MONDO:0000700.

Submission:

Labcorp Genetics (formerly Invitae), Labcorp
Classification: Uncertain significance for Familial hemiplegic migraine. Last evaluated: 2025-10-23. Review status: criteria provided, single submitter. Criteria: Invitae Variant Classification Sherloc (09022015). Collection method: clinical testing. Allele origin: germline.
Comment: This sequence change falls in intron 4 of the ATP1A2 gene. It does not directly change the encoded amino acid sequence of the ATP1A2 protein. It affects a nucleotide within the consensus splice site. This variant is not present in population databases (gnomAD no frequency). This variant has been observed in individual(s) with clinical features of ATP1A2-related conditions (PMID: 22314763). Variants that disrupt the consensus splice site are a relatively common cause of aberrant splicing (PMID: 17576681, 9536098). Algorithms developed to predict the effect of sequence changes on RNA splicing suggest that this variant may disrupt the consensus splice site. In summary, the available evidence is currently insufficient to determine the role of this variant in disease. Therefore, it has been classified as a Variant of Uncertain Significance.

Literature cited by the submitters: PubMed 22314763; PubMed 17576681; PubMed 9536098.

NM_000702.4(ATP1A2):c.381+3G>T

Gene: ATP1A2 (ATPase Na+/K+ transporting subunit alpha 2; plus strand). Cytogenetic location: 1q23.2.
Variant type: single nucleotide variant.
Coding change: c.381+3G>T on transcript NM_000702.4 (MANE Select); 3 bases into the intron after coding-DNA position 381, G replaced by T.
Molecular consequence: intron variant.
Genome position (GRCh38, 1-based): chr1:160,123,419, G>T. VCF-style: chr1-160123419-G-T. GRCh37 (hg19) VCF-style: chr1-160093209-G-T.
Identifiers: ClinVar variation 4746891 (VCV004746891.1).